The following is an entry in ClinVar:

NM_032043.3(BRIP1):c.1527del (p.Glu511fs)

Gene: BRIP1 (BRCA1 interacting DNA helicase 1; minus strand). Cytogenetic location: 17q23.2.
Variant type: Deletion.
Coding change: c.1527del on transcript NM_032043.3 (MANE Select); coding-DNA position 1527, one base deleted (T; older notation c.1527delT).
Protein change: p.Glu511fs; shifts the reading frame from glutamic acid 511.
Molecular consequence: frameshift variant.
Genome position (GRCh38, 1-based): chr17:61,784,371, A deleted on the plus strand (T on the coding strand, the reverse complement: BRIP1 is on the minus strand). VCF-style (leftmost placement, unchanged base first): chr17-61784370-TA-T. GRCh37 (hg19) VCF-style: chr17-59861731-TA-T.
Other names: short protein forms E511fs.
Identifiers: ClinVar variation 3254265 (VCV003254265.1), dbSNP rs2545054659.

ClinVar aggregate classification (germline): Pathogenic (1 of 4 stars; one submission).

Conditions:
Familial cancer of breast. Also called: BREAST CANCER, FAMILIAL; Hereditary breast cancer; hereditary breast carcinoma. Identifiers: Orphanet 227535, MedGen C0346153, MONDO:0016419, OMIM 114480. Disease mechanism: loss of function.

Submission:

Myriad Genetics, Inc.
Classification: Pathogenic for Familial cancer of breast. Last evaluated: 2024-05-06. Review status: criteria provided, single submitter. Criteria: Myriad Autosomal Dominant, Autosomal Recessive and X-Linked Classification Criteria (2023). Collection method: clinical testing. Allele origin: unknown.
Comment: This variant is considered pathogenic. This variant creates a frameshift predicted to result in premature protein truncation.